The following is an entry in ClinVar:

ClinVar aggregate classification (germline): Uncertain significance (1 of 4 stars; one submission).

Conditions:
Hereditary cancer-predisposing syndrome. Also called: Neoplastic Syndromes, Hereditary; Tumor predisposition; Hereditary neoplastic syndrome; Hereditary Cancer Syndrome. Identifiers: Orphanet 140162, MedGen C0027672, MeSH D009386, MONDO:0015356.

Submission:

Ambry Genetics
Classification: Uncertain significance for Hereditary cancer-predisposing syndrome. Last evaluated: 2026-09-04. Review status: criteria provided, single submitter. Criteria: Ambry Variant Classification Scheme 2023. Collection method: clinical testing. Allele origin: germline.
Comment: The p.A297D variant (also known as c.890C>A), located in coding exon 4 of the MSH6 gene, results from a C to A substitution at nucleotide position 890. The alanine at codon 297 is replaced by aspartic acid, an amino acid with dissimilar properties. This amino acid position is not well conserved in available vertebrate species. In addition, the in silico prediction for this alteration is inconclusive. Based on the available evidence, the clinical significance of this variant remains unclear.

NM_000179.3(MSH6):c.890C>A (p.Ala297Asp)

Gene: MSH6 (mutS homolog 6; plus strand). Cytogenetic location: 2p16.3.
Variant type: single nucleotide variant.
Coding change: c.890C>A on transcript NM_000179.3 (MANE Select); coding-DNA position 890, C replaced by A.
Protein change: p.Ala297Asp; replaces alanine 297 with aspartic acid.
Molecular consequence: missense variant. On other transcripts: 5 prime UTR variant (9), non-coding transcript variant (4), intron variant (1).
Genome position (GRCh38, 1-based): chr2:47,798,873, C>A. VCF-style: chr2-47798873-C-A. GRCh37 (hg19) VCF-style: chr2-48026012-C-A.
Other names: c.500C>A, p.Ala167Asp (NM_001281492.2); c.-17C>A (NM_001281493.2, NM_001281494.2, NM_001406811.1 and 6 more transcripts); c.986C>A, p.Ala329Asp (NM_001406795.1, NM_001406802.1); c.890C>A, p.Ala297Asp (NM_001406796.1, NM_001406798.1, NM_001406800.1 and 4 more transcripts); c.593C>A, p.Ala198Asp (NM_001406797.1, NM_001406801.1, NM_001406805.1 and 10 more transcripts); c.365C>A, p.Ala122Asp (NM_001406799.1, NM_001406806.1, NM_001406807.1); c.812C>A, p.Ala271Asp (NM_001406804.1); c.896C>A, p.Ala299Asp (NM_001406813.1); and 2 more; short protein forms A299D, A329D, A167D, A241D, A271D, A297D, A122D, A198D.
Identifiers: ClinVar variation 5024935 (VCV005024935.1).
Genomic context (GRCh38, chr2:47,798,873, plus strand): 5'-AAATAAGCAGTGGAGTGGGGGATAGTGAGAGTGAAGGCCTGAACAGCCCTGTCAAAGTTG[C>A]TCGAAAGCGGAAGAGAATGGTGACTGGAAATGGCTCTCTTAAAAGGAAAAGCTCTAGGAA-3'
Protein context (NP_000170.1, residues 287-307): SEGLNSPVKV[Ala297Asp]RKRKRMVTGN